The following is an entry in ClinVar:

ClinVar aggregate classification (germline): Likely benign. Review status: criteria provided, multiple submitters, no conflicts (2 of 4 stars). 4 submissions from 4 submitters: Likely benign (3). 1 of the submissions does not count toward it. Last evaluated 2025-12-15.

Conditions:
Pituitary hormone deficiency, combined, 2. Also called: PITUITARY DWARFISM III; ATELIOTIC DWARFISM WITH HYPOGONADISM; HANHART DWARFISM; PROP1-Related Combined Pituitary Hormone Deficiency. Identifiers: MedGen C0878683, MONDO:0009878, OMIM 262600.

Allele frequency attached by ClinVar (database versions not stated): ExAC 0.00006; gnomAD exomes 0.00006 and 0.00013; gnomAD 0.00007 and 0.00008; TOPMed 0.00007.

Submissions (4):

Labcorp Genetics (formerly Invitae), Labcorp
Classification: Likely benign. Last evaluated: 2025-12-15. Review status: criteria provided, single submitter. Criteria: Invitae Variant Classification Sherloc (09022015). Collection method: clinical testing. Allele origin: germline.

Blueprint Genetics
Classification: Likely benign. Last evaluated: 2024-10-08. Review status: criteria provided, single submitter. Criteria: ACMG Guidelines, 2015. Collection method: clinical testing. Allele origin: germline.

Women's Health and Genetics/Laboratory Corporation of America, LabCorp
Classification: Likely benign. Last evaluated: 2024-04-02. Review status: criteria provided, single submitter. Criteria: LabCorp Variant Classification Summary - May 2015. Collection method: clinical testing. Allele origin: germline.
Comment: Variant summary: PROP1 c.81G>A alters a non-conserved nucleotide resulting in a synonymous change. Consensus agreement among computation tools predict no significant impact on normal splicing. However, these predictions have yet to be confirmed by functional studies. The variant allele was found at a frequency of 5.6e-05 in 251266 control chromosomes (gnomAD). To our knowledge, no occurrence of c.81G>A in individuals affected with Combined Pituitary Hormone Deficiency and no experimental evidence demonstrating its impact on protein function have been reported. ClinVar contains an entry for this variant (Variation ID: 734046). Based on the evidence outlined above, the variant was classified as likely benign.

Natera, Inc.
Classification: Likely benign for Combined pituitary hormone deficiency type 2. Last evaluated: 2020-04-20. Review status: no assertion criteria provided. Collection method: clinical testing. Allele origin: germline. Not counted in ClinVar's aggregate classification.

NM_006261.5(PROP1):c.81G>A (p.Pro27=)

Gene: PROP1 (PROP paired-like homeobox 1; minus strand). Cytogenetic location: 5q35.3.
Variant type: single nucleotide variant.
Coding change: c.81G>A on transcript NM_006261.5 (MANE Select); coding-DNA position 81, G replaced by A.
Protein change: p.Pro27=; no amino-acid change (proline 27 retained).
Molecular consequence: synonymous variant.
Genome position (GRCh38, 1-based): chr5:177,995,853, C>T on the plus strand (G>A on the coding strand, the complement: PROP1 is on the minus strand). VCF-style: chr5-177995853-C-T. GRCh37 (hg19) VCF-style: chr5-177422854-C-T.
Identifiers: ClinVar variation 734046 (VCV000734046.13), dbSNP rs749312622, ClinGen allele CA3587646.